The following is an entry in ClinVar:

ClinVar aggregate classification (germline): Uncertain significance (1 of 4 stars; one submission).

Submission:

Labcorp Genetics (formerly Invitae), Labcorp
Classification: Uncertain significance. Last evaluated: 2025-10-16. Review status: criteria provided, single submitter. Criteria: Invitae Variant Classification Sherloc (09022015). Collection method: clinical testing. Allele origin: germline.
Comment: This sequence change replaces threonine, which is neutral and polar, with asparagine, which is neutral and polar, at codon 1083 of the FN1 protein (p.Thr1083Asn). This variant is not present in population databases (gnomAD no frequency). This variant has not been reported in the literature in individuals affected with FN1-related conditions. An algorithm developed to predict the effect of missense changes on protein structure and function outputs the following: PolyPhen-2: "Benign". The asparagine amino acid residue is found in multiple mammalian species, which suggests that this missense change does not adversely affect protein function. In summary, the available evidence is currently insufficient to determine the role of this variant in disease. Therefore, it has been classified as a Variant of Uncertain Significance.

NM_212482.4(FN1):c.3248C>A (p.Thr1083Asn)

Gene: FN1 (fibronectin 1; minus strand). Cytogenetic location: 2q35.
Variant type: single nucleotide variant.
Coding change: c.3248C>A on transcript NM_212482.4 (MANE Select); coding-DNA position 3248, C replaced by A.
Protein change: p.Thr1083Asn; replaces threonine 1083 with asparagine.
Molecular consequence: missense variant.
Genome position (GRCh38, 1-based): chr2:215,404,394, G>T on the plus strand (C>A on the coding strand, the complement: FN1 is on the minus strand). VCF-style: chr2-215404394-G-T. GRCh37 (hg19) VCF-style: chr2-216269117-G-T.
Other names: c.3248C>A, p.Thr1083Asn (NM_001306129.2, NM_001306130.2, NM_001306131.2 and 13 more transcripts); short protein forms T1083N.
Identifiers: ClinVar variation 4706947 (VCV004706947.1).